The following is an entry in ClinVar:

NM_004369.4(COL6A3):c.6955C>G (p.Pro2319Ala)

Gene: COL6A3 (collagen type VI alpha 3 chain; minus strand). Cytogenetic location: 2q37.3.
Variant type: single nucleotide variant.
Coding change: c.6955C>G on transcript NM_004369.4 (MANE Select); coding-DNA position 6955, C replaced by G.
Protein change: p.Pro2319Ala; replaces proline 2319 with alanine.
Molecular consequence: missense variant.
Genome position (GRCh38, 1-based): chr2:237,348,360, G>C on the plus strand (C>G on the coding strand, the complement: COL6A3 is on the minus strand). VCF-style: chr2-237348360-G-C. GRCh37 (hg19) VCF-style: chr2-238257003-G-C.
Other names: c.5134C>G, p.Pro1712Ala (NM_057166.5); c.6337C>G, p.Pro2113Ala (NM_057167.4); short protein forms P1712A, P2113A, P2319A.
Identifiers: ClinVar variation 4744941 (VCV004744941.1).
Genomic context (GRCh38, chr2:237,348,360, plus strand): 5'-GAGCCATCCCAAAATCATGATGATGCTTCACCGACCAGGGATTATTTACCTTTGGTCCTG[G>C]GTATCCAGGGAATCCTCTTTCTCCCTATAAAGGAAAAATAGATTATTTAATACTTGGTTC-3'
Protein context (NP_004360.2, residues 2309-2329): KKGERGFPGY[Pro2319Ala]GPKGNPGEPG

ClinVar aggregate classification (germline): Uncertain significance (1 of 4 stars; one submission).

Conditions:
Bethlem myopathy 1A. Also called: MYOPATHY, BENIGN CONGENITAL, WITH CONTRACTURES; Bethlem myopathy 1; Bethlem Muscular Dystrophy. Identifiers: Orphanet 610, MedGen CN029274, MONDO:0024530, OMIM 158810.

Submission:

Labcorp Genetics (formerly Invitae), Labcorp
Classification: Uncertain significance for Bethlem myopathy 1A. Last evaluated: 2025-07-09. Review status: criteria provided, single submitter. Criteria: Invitae Variant Classification Sherloc (09022015). Collection method: clinical testing. Allele origin: germline.
Comment: This sequence change replaces proline, which is neutral and non-polar, with alanine, which is neutral and non-polar, at codon 2319 of the COL6A3 protein (p.Pro2319Ala). This variant is not present in population databases (gnomAD no frequency). This variant has not been reported in the literature in individuals affected with COL6A3-related conditions. Invitae Evidence Modeling of protein sequence and biophysical properties (such as structural, functional, and spatial information, amino acid conservation, physicochemical variation, residue mobility, and thermodynamic stability) indicates that this missense variant is not expected to disrupt COL6A3 protein function with a negative predictive value of 80%. In summary, the available evidence is currently insufficient to determine the role of this variant in disease. Therefore, it has been classified as a Variant of Uncertain Significance.